The following is an entry in ClinVar:

ClinVar aggregate classification (germline): Conflicting classifications of pathogenicity. Review status: criteria provided, conflicting classifications (1 of 4 stars). 3 submissions from 3 submitters: Uncertain significance (1); Likely benign (1). 1 of the submissions does not count toward it. Last evaluated 2024-08-27.

Conditions:
CISD2-related disorder. Also called: CISD2-related condition.

Allele frequency attached by ClinVar (database versions not stated): TOPMed 0.00002; gnomAD 0.00003; ExAC 0.00005; 1000 Genomes Project 0.00020; 1000 Genomes Project 30x 0.00031.
gnomAD v4.1: 102 of 1,598,854 alleles (0.0064%); highest among the groups gnomAD compares: Non-Finnish European, 0.0084%; no homozygotes.

Submissions (3):

Blueprint Genetics
Classification: Likely benign. Last evaluated: 2024-08-27. Review status: criteria provided, single submitter. Criteria: ACMG Guidelines, 2015. Collection method: clinical testing. Allele origin: germline.

Labcorp Genetics (formerly Invitae), Labcorp
Classification: Uncertain significance. Last evaluated: 2022-04-12. Review status: criteria provided, single submitter. Criteria: Invitae Variant Classification Sherloc (09022015). Collection method: clinical testing. Allele origin: germline.
Comment: This sequence change falls in intron 1 of the CISD2 gene. It does not directly change the encoded amino acid sequence of the CISD2 protein. It affects a nucleotide within the consensus splice site. This variant is present in population databases (rs201461508, gnomAD 0.006%). This variant has not been reported in the literature in individuals affected with CISD2-related conditions. Variants that disrupt the consensus splice site are a relatively common cause of aberrant splicing (PMID: 17576681, 9536098). Algorithms developed to predict the effect of sequence changes on RNA splicing suggest that this variant is not likely to affect RNA splicing. In summary, the available evidence is currently insufficient to determine the role of this variant in disease. Therefore, it has been classified as a Variant of Uncertain Significance.

PreventionGenetics, part of Exact Sciences
Classification: Likely benign for CISD2-related condition. Last evaluated: 2019-03-01. Review status: no assertion criteria provided. Collection method: clinical testing. Allele origin: germline. Not counted in ClinVar's aggregate classification.
Comment: This variant is classified as likely benign based on ACMG/AMP sequence variant interpretation guidelines (Richards et al. 2015 PMID: 25741868, with internal and published modifications).

Literature cited by the submitters: PubMed 17576681 (cited by Labcorp Genetics (formerly Invitae), Labcorp); PubMed 9536098 (cited by Labcorp Genetics (formerly Invitae), Labcorp).

NM_001008388.5(CISD2):c.103+5T>G

Genes: CISD2 (CDGSH iron sulfur domain 2; plus strand), LOC129992892 (ATAC-STARR-seq lymphoblastoid silent region 15603; plus strand). Cytogenetic location: 4q24.
Variant type: single nucleotide variant.
Coding change: c.103+5T>G on transcript NM_001008388.5 (MANE Select); 5 bases into the intron after coding-DNA position 103, T replaced by G.
Molecular consequence: intron variant.
Genome position (GRCh38, 1-based): chr4:102,869,192, T>G. VCF-style: chr4-102869192-T-G. GRCh37 (hg19) VCF-style: chr4-103790349-T-G.
Other names: c.103+5T>G (NM_001008388.4).
Identifiers: ClinVar variation 2199282 (VCV002199282.4), dbSNP rs201461508, ClinGen allele CA3027652.